The following is an entry in ClinVar:

NM_001909.5(CTSD):c.228+1G>T

Genes: CTSD (cathepsin D; minus strand), PRADX (PRC2 and DDX5 associated lncRNA; plus strand). Cytogenetic location: 11p15.5.
Variant type: single nucleotide variant.
Coding change: c.228+1G>T on transcript NM_001909.5 (MANE Select); the canonical splice donor site of the intron after coding-DNA position 228, G replaced by T.
Molecular consequence: splice donor variant.
Genome position (GRCh38, 1-based): chr11:1,761,308, C>A on the plus strand (G>T on the coding strand, the complement: CTSD is on the minus strand). VCF-style: chr11-1761308-C-A. GRCh37 (hg19) VCF-style: chr11-1782538-C-A.
Identifiers: ClinVar variation 1511671 (VCV001511671.6), dbSNP rs766300396, ClinGen allele CA379099342.

ClinVar aggregate classification (germline): Likely pathogenic (1 of 4 stars; one submission).

Conditions:
Neuronal ceroid lipofuscinosis. Also called: Neuronal Ceroid Lipofuscinoses. Identifiers: Orphanet 216, Orphanet 79263, MedGen C0027877, MONDO:0016295. Disease mechanism: loss of function.

Submission:

Labcorp Genetics (formerly Invitae), Labcorp
Classification: Likely pathogenic for Neuronal ceroid lipofuscinosis. Last evaluated: 2022-09-02. Review status: criteria provided, single submitter. Criteria: Invitae Variant Classification Sherloc (09022015). Collection method: clinical testing. Allele origin: germline.
Comment: This variant has not been reported in the literature in individuals affected with CTSD-related conditions. In summary, the currently available evidence indicates that the variant is pathogenic, but additional data are needed to prove that conclusively. Therefore, this variant has been classified as Likely Pathogenic. Algorithms developed to predict the effect of sequence changes on RNA splicing suggest that this variant may disrupt the consensus splice site. ClinVar contains an entry for this variant (Variation ID: 1511671). This variant is not present in population databases (gnomAD no frequency). This sequence change affects a donor splice site in intron 2 of the CTSD gene. It is expected to disrupt RNA splicing. Variants that disrupt the donor or acceptor splice site typically lead to a loss of protein function (PMID: 16199547), and loss-of-function variants in CTSD are known to be pathogenic (PMID: 16670177, 26059544).

Literature cited by the submitters: PubMed 16199547; PubMed 16670177; PubMed 26059544.